The following is an entry in ClinVar:

NM_012275.3(IL36RN):c.*560C>G

Gene: IL36RN (interleukin 36 receptor antagonist; plus strand). Cytogenetic location: 2q14.1.
Variant type: single nucleotide variant.
Coding change: c.*560C>G on transcript NM_012275.3 (MANE Select); 560 bases downstream of the stop codon, C replaced by G.
Molecular consequence: 3 prime UTR variant.
Genome position (GRCh38, 1-based): chr2:113,063,237, C>G. VCF-style: chr2-113063237-C-G. GRCh37 (hg19) VCF-style: chr2-113820814-C-G.
Other names: c.*560C>G (NM_173170.1).
Identifiers: ClinVar variation 330792 (VCV000330792.7), dbSNP rs2472188, ClinGen allele CA10611820.

ClinVar aggregate classification (germline): Conflicting classifications of pathogenicity. Review status: criteria provided, conflicting classifications (1 of 4 stars). 3 submissions from 3 submitters: Uncertain significance (1); Benign (2). Last evaluated 2018-01-13.

Conditions:
Acrodermatitis continua suppurativa of Hallopeau (PSORS14). Also called: INTERLEUKIN 36 RECEPTOR ANTAGONIST DEFICIENCY; ACRODERMATITIS CONTINUA OF HALLOPEAU; Psoriasis 14, pustular. Identifiers: Orphanet 163931, MedGen C0392439, MONDO:0013626, OMIM 614204.
Generalized pustular psoriasis. Identifiers: Orphanet 247353, MedGen C0343055, MONDO:0100491.

Allele frequency attached by ClinVar (database versions not stated): gnomAD exomes 0.64495; gnomAD 0.64649 and 0.65134; TOPMed 0.65788; 1000 Genomes Project 30x 0.71393; 1000 Genomes Project 0.71526.
gnomAD v4.1: 111,440 of 171,034 alleles (65%); highest among the groups gnomAD compares: South Asian, 81%; 36,815 homozygotes.

Submissions (3):

Illumina Laboratory Services, Illumina
Classification: Benign for Acrodermatitis continua suppurativa of Hallopeau. Last evaluated: 2018-01-13. Review status: criteria provided, single submitter. Criteria: ICSL Variant Classification Criteria 13 December 2019. Collection method: clinical testing. Allele origin: germline.
Comment: This variant was observed in the ICSL laboratory as part of a predisposition screen in an ostensibly healthy population. It had not been previously curated by ICSL or reported in the Human Gene Mutation Database (HGMD: prior to June 1st, 2018), and was therefore a candidate for classification through an automated scoring system. Utilizing variant allele frequency, disease prevalence and penetrance estimates, and inheritance mode, an automated score was calculated to assess if this variant is too frequent to cause the disease. Based on the score and internal cut-off values, a variant classified as benign is not then subjected to further curation. The score for this variant resulted in a classification of benign for this disease.

Breakthrough Genomics
Classification: Benign. Review status: criteria provided, single submitter. Criteria: ACMG Guidelines, 2015. Collection method: not provided. Allele origin: germline. Inheritance: Autosomal recessive inheritance. Affected: yes.

Clinical Genomics, Uppaluri K&H Personalized Medicine Clinic
Classification: Uncertain significance for Acrodermatitis continua suppurativa of Hallopeau. Review status: criteria provided, single submitter. Criteria: K &amp; H Uppaluri Personalized Medicine Clinic Variant Classification &amp; Assertion Criteria_Updated V.1. Collection method: clinical testing. Allele origin: germline. Inheritance: Autosomal recessive inheritance. Affected: yes. Observed: 1 heterozygote.
Comment: Patients with Generalized pustular Psoriasis, with certain mutations, respond very well to IL-1 antagonists like Anakinra, as IL36RN mutations upregulate IL-1. IL36RN gene encodes IL-36 receptor antagonist (IL-36Ra), which is required for subsequent activation of intracellular NF-κB and mitogen-activated protein kinase pathways. However, the role of rs2472188 is yet to be ascertained.

Literature cited by the submitters: PubMed 27220475 (cited by Clinical Genomics, Uppaluri K&H Personalized Medicine Clinic); PubMed 24656634 (cited by Clinical Genomics, Uppaluri K&H Personalized Medicine Clinic); PubMed 34903506 (cited by Clinical Genomics, Uppaluri K&H Personalized Medicine Clinic).